The following is an entry in ClinVar:

ClinVar aggregate classification (germline): Conflicting classifications of pathogenicity. Review status: criteria provided, conflicting classifications (1 of 4 stars). 3 submissions from 3 submitters: Uncertain significance (1); Likely benign (2). Last evaluated 2024-10-27.

Conditions:
ABCC2-related disorder. Also called: ABCC2-related condition.

Allele frequency attached by ClinVar (database versions not stated): gnomAD exomes below 0.00001 and 0.00001; ExAC 0.00002; gnomAD 0.00006 and 0.00007; TOPMed 0.00008.
gnomAD v4.1: 15 of 1,614,242 alleles (0.00093%); highest among the groups gnomAD compares: African/African-American, 0.02%; no homozygotes.

Submissions (3):

PreventionGenetics, part of Exact Sciences
Classification: Likely benign for ABCC2-related condition. Last evaluated: 2024-10-27. Review status: criteria provided, single submitter. Criteria: ACMG Guidelines, 2015. Collection method: clinical testing. Allele origin: germline.
Comment: This variant is classified as likely benign based on ACMG/AMP sequence variant interpretation guidelines (Richards et al. 2015 PMID: 25741868, with internal and published modifications).

Labcorp Genetics (formerly Invitae), Labcorp
Classification: Likely benign. Last evaluated: 2023-11-17. Review status: criteria provided, single submitter. Criteria: Invitae Variant Classification Sherloc (09022015). Collection method: clinical testing. Allele origin: germline.

Eurofins Ntd Llc (ga)
Classification: Uncertain significance. Last evaluated: 2016-11-14. Review status: criteria provided, single submitter. Criteria: EGL Classification Definitions 2015. Collection method: clinical testing. Allele origin: germline. Observed: 1 variant allele, 1 heterozygote.

NM_000392.5(ABCC2):c.99G>A (p.Val33=)

Genes: ABCC2 (ATP binding cassette subfamily C member 2; plus strand), LOC108281165 (MED14-independent group 3 enhancer GRCh37_chr10:101544125-101545324; plus strand). Cytogenetic location: 10q24.2.
Variant type: single nucleotide variant.
Coding change: c.99G>A on transcript NM_000392.5 (MANE Select); coding-DNA position 99, G replaced by A.
Protein change: p.Val33=; no amino-acid change (valine 33 retained).
Molecular consequence: synonymous variant.
Genome position (GRCh38, 1-based): chr10:99,784,673, G>A. VCF-style: chr10-99784673-G-A. GRCh37 (hg19) VCF-style: chr10-101544430-G-A.
Other names: c.99G>A (NM_000392.4); c.99G>A, p.Val33= (LRG_1208t1).
Identifiers: ClinVar variation 498611 (VCV000498611.9), dbSNP rs376241522, ClinGen allele CA5642779.